The following is an entry in ClinVar:

NM_007294.4(BRCA1):c.670+3A>G

Gene: BRCA1 (BRCA1 DNA repair associated; minus strand). Cytogenetic location: 17q21.31.
Variant type: single nucleotide variant.
Coding change: c.670+3A>G on transcript NM_007294.4 (MANE Select); 3 bases into the intron after coding-DNA position 670, A replaced by G.
Molecular consequence: intron variant.
Genome position (GRCh38, 1-based): chr17:43,095,843, T>C on the plus strand (A>G on the coding strand, the complement: BRCA1 is on the minus strand). VCF-style: chr17-43095843-T-C. GRCh37 (hg19) VCF-style: chr17-41247860-T-C.
Other names: c.529+3A>G (NM_001408458.1, NM_001408469.1, NM_001408453.1 and 43 more transcripts); c.-218-983A>G (NM_001407967.1, NM_001407966.1); c.289+3A>G (NM_001407959.1, NM_001408510.1, NM_001407963.1 and 1 more transcripts); c.404-983A>G (NM_001407931.1, NM_001407932.1, NM_001408503.1 and 5 more transcripts); c.526+3A>G (NM_001407747.1, NM_001408470.1, NM_001407848.1 and 26 more transcripts); c.286+3A>G (NM_001407962.1); c.167-983A>G (NM_001408512.1, NM_001407965.1); c.460+3A>G (NM_001407885.1, NM_001407886.1, NM_001407881.1 and 27 more transcripts); and 17 more.
Identifiers: ClinVar variation 482895 (VCV000482895.15), dbSNP rs1555593531, ClinGen allele CA658656642.

ClinVar aggregate classification (germline): Uncertain significance. Review status: criteria provided, multiple submitters, no conflicts (2 of 4 stars). 3 submissions from 3 submitters: Uncertain significance (2). 1 of the submissions does not count toward it. Last evaluated 2026-02-19.

Conditions:
Hereditary cancer-predisposing syndrome. Also called: Tumor predisposition; Hereditary Cancer Syndrome; Neoplastic Syndromes, Hereditary; Hereditary neoplastic syndrome. Identifiers: Orphanet 140162, MedGen C0027672, MeSH D009386, MONDO:0015356.
Hereditary breast ovarian cancer syndrome. Also called: Hereditary breast and/or ovarian cancer syndrome; Hereditary breast and ovarian cancer syndrome; Hereditary breast and ovarian cancer; Hereditary breast and ovarian cancer syndrome (HBOC); Breast and ovarian cancer; BRCA1- and BRCA2-Associated Hereditary Breast and Ovarian Cancer. Identifiers: Orphanet 145, MedGen C0677776, MeSH D061325, MONDO:0003582. Disease mechanism: loss of function.

Allele frequency attached by ClinVar (database versions not stated): gnomAD exomes below 0.00001.
gnomAD v4.1: 1 of 1,612,394 alleles (0.000062%); highest among the groups gnomAD compares: Non-Finnish European, 0.000085%; no homozygotes.

Submissions (3):

Ambry Genetics
Classification: Uncertain significance for Hereditary cancer-predisposing syndrome. Last evaluated: 2026-02-19. Review status: criteria provided, single submitter. Criteria: Ambry Variant Classification Scheme 2023. Collection method: clinical testing. Allele origin: germline.
Comment: The c.670+3A>G intronic variant results from an A to G substitution 3 nucleotides after coding exon 8 in the BRCA1 gene. This nucleotide position is well conserved in available vertebrate species. In silico splice site analysis predicts that this alteration will weaken the native splice donor site. Based on the available evidence, the clinical significance of this variant remains unclear.

Labcorp Genetics (formerly Invitae), Labcorp
Classification: Uncertain significance for Hereditary breast ovarian cancer syndrome. Last evaluated: 2025-02-03. Review status: criteria provided, single submitter. Criteria: Invitae Variant Classification Sherloc (09022015). Collection method: clinical testing. Allele origin: germline.
Comment: This sequence change falls in intron 9 of the BRCA1 gene. It does not directly change the encoded amino acid sequence of the BRCA1 protein. It affects a nucleotide within the consensus splice site. This variant is not present in population databases (gnomAD no frequency). This variant has not been reported in the literature in individuals affected with BRCA1-related conditions. ClinVar contains an entry for this variant (Variation ID: 482895). Variants that disrupt the consensus splice site are a relatively common cause of aberrant splicing (PMID: 17576681, 9536098). Studies have shown that this variant is associated with altered splicing resulting in multiple RNA products (internal data). Loss-of-function variants in BRCA1 are expected to be pathogenic (PMID: 20104584). However, an in-frame BRCA1 isoform lacking exons 8 and 9 (also known as exons 9 and 10) is highly expressed in blood from unaffected individuals and in normal breast tissue; this isoform may retain protein function and could functionally rescue loss-of-function variants within exons 8-9 (PMID: 24569164). In summary, the available evidence is currently insufficient to determine the role of this variant in disease. Therefore, it has been classified as a Variant of Uncertain Significance.

Department of Pathology and Laboratory Medicine, Sinai Health System
Classification: Uncertain significance. Review status: no assertion criteria provided. Collection method: clinical testing. Allele origin: unknown. Affected: yes. Study: The Canadian Open Genetics Repository (COGR). Not counted in ClinVar's aggregate classification.
Comment: The BRCA1 c.670+3A>G variant was not identified in the literature nor was it identified in the dbSNP, LOVD 3.0, or UMD-LSDB databases. The variant was identified in ClinVar (as uncertain significance by Ambry Genetics). The variant was not identified in the following control databases: the Exome Aggregation Consortium (August 8th 2016) or the Genome Aggregation Database (Feb 27, 2017). The c.670+3A>G variant is located in the 5' splice region but does not affect the invariant +1 and +2 positions. However, positions +3 to +6 are part of the splicing consensus sequence and variants involving these positions sometimes affect splicing. Further, 3 of 3 in silico or computational prediction software programs (SpliceSiteFinder, MaxEntScan, NNSPLICE) predict a greater than 10% difference in splicing; this information is not predictive enough to assume pathogenicity. In summary, based on the above information, the clinical significance of this variant cannot be determined with certainty at this time. This variant is classified as a variant of uncertain significance.

Literature cited by the submitters: PubMed 17576681 (cited by Labcorp Genetics (formerly Invitae), Labcorp); PubMed 9536098 (cited by Labcorp Genetics (formerly Invitae), Labcorp); PubMed 20104584 (cited by Labcorp Genetics (formerly Invitae), Labcorp); PubMed 24569164 (cited by Labcorp Genetics (formerly Invitae), Labcorp).